The following is an entry in ClinVar:

ClinVar aggregate classification (germline): Uncertain significance. Review status: criteria provided, multiple submitters, no conflicts (2 of 4 stars). 2 submissions from 2 submitters: Uncertain significance (2). Last evaluated 2023-02-28.

Conditions:
Walker-Warburg congenital muscular dystrophy. Also called: Muscular dystrophy-dystroglycanopathy, type A; Walker-Warburg syndrome. Identifiers: Orphanet 899, MedGen C0265221, MONDO:0000171.
Cardiovascular phenotype. Identifiers: MedGen CN230736.

Allele frequency attached by ClinVar (database versions not stated): gnomAD exomes below 0.00001; ExAC 0.00001; gnomAD 0.00001; TOPMed 0.00001.
gnomAD v4.1: 6 of 1,612,484 alleles (0.00037%); highest among the groups gnomAD compares: African/African-American, 0.0027%; no homozygotes.

Submissions (2):

Ambry Genetics
Classification: Uncertain significance for Cardiovascular phenotype. Last evaluated: 2023-02-28. Review status: criteria provided, single submitter. Criteria: Ambry Variant Classification Scheme 2023. Collection method: clinical testing. Allele origin: germline.
Comment: The p.N182S variant (also known as c.545A>G), located in coding exon 4 of the FKTN gene, results from an A to G substitution at nucleotide position 545. The asparagine at codon 182 is replaced by serine, an amino acid with highly similar properties. This amino acid position is well conserved in available vertebrate species; however, serine is the reference amino acid in other vertebrate species. In addition, this alteration is predicted to be tolerated by in silico analysis. Since supporting evidence is limited at this time, the clinical significance of this alteration remains unclear.

Labcorp Genetics (formerly Invitae), Labcorp
Classification: Uncertain significance for Walker-Warburg congenital muscular dystrophy. Last evaluated: 2021-08-28. Review status: criteria provided, single submitter. Criteria: Invitae Variant Classification Sherloc (09022015). Collection method: clinical testing. Allele origin: germline.
Comment: This sequence change replaces asparagine with serine at codon 182 of the FKTN protein (p.Asn182Ser). The asparagine residue is highly conserved and there is a small physicochemical difference between asparagine and serine. This variant is present in population databases (rs760170065, ExAC 0.01%). This variant has not been reported in the literature in individuals affected with FKTN-related conditions. Algorithms developed to predict the effect of missense changes on protein structure and function are either unavailable or do not agree on the potential impact of this missense change (SIFT: "Deleterious"; PolyPhen-2: "Benign"; Align-GVGD: "Class C0"). In summary, the available evidence is currently insufficient to determine the role of this variant in disease. Therefore, it has been classified as a Variant of Uncertain Significance.

NM_001079802.2(FKTN):c.545A>G (p.Asn182Ser)

Gene: FKTN (fukutin; plus strand). Cytogenetic location: 9q31.2.
Variant type: single nucleotide variant.
Coding change: c.545A>G on transcript NM_001079802.2 (MANE Select); coding-DNA position 545, A replaced by G.
Protein change: p.Asn182Ser; replaces asparagine 182 with serine.
Molecular consequence: missense variant. On other transcripts: non-coding transcript variant (2).
Genome position (GRCh38, 1-based): chr9:105,604,390, A>G. VCF-style: chr9-105604390-A-G. GRCh37 (hg19) VCF-style: chr9-108366671-A-G.
Other names: c.545A>G, p.Asn182Ser (NM_001198963.2, NM_001351496.2, NM_001351498.2 and 1 more transcripts); c.476A>G, p.Asn159Ser (NM_001351497.2); c.149A>G, p.Asn50Ser (NM_001351499.2, NM_001351500.2, NM_001351501.2 and 1 more transcripts); short protein forms N159S, N182S, N50S.
Identifiers: ClinVar variation 646747 (VCV000646747.8), dbSNP rs760170065, ClinGen allele CA5170435.
Genomic context (GRCh38, chr9:105,604,390, plus strand): 5'-ATATCTGCAAACTGGCCACTCATGCGATCCACTTGGTAGTCTTTCATGAGAGGAGTGGCA[A>G]CTACCTCTGGCACGGCCACTTGAGACTTAAAGAACACATTGACAGGAAATTTGTTCCCTT-3'
Protein context (NP_001073270.1, residues 172-192): HLVVFHERSG[Asn182Ser]YLWHGHLRLK